The following is an entry in ClinVar:

NM_020944.3(GBA2):c.2197+3G>A

Gene: GBA2 (glucosylceramidase beta 2; minus strand). Cytogenetic location: 9p13.3.
Variant type: single nucleotide variant.
Coding change: c.2197+3G>A on transcript NM_020944.3 (MANE Select); 3 bases into the intron after coding-DNA position 2197, G replaced by A.
Molecular consequence: intron variant.
Genome position (GRCh38, 1-based): chr9:35,738,229, C>T on the plus strand (G>A on the coding strand, the complement: GBA2 is on the minus strand). VCF-style: chr9-35738229-C-T. GRCh37 (hg19) VCF-style: chr9-35738226-C-T.
Other names: c.2197+3G>A (NM_001330660.2).
Identifiers: ClinVar variation 659528 (VCV000659528.6), dbSNP rs373784058, ClinGen allele CA5050177.

ClinVar aggregate classification (germline): Uncertain significance (1 of 4 stars; one submission).

Conditions:
Spastic paraplegia. Identifiers: MedGen C0037772, HP:0001258.

Allele frequency attached by ClinVar (database versions not stated): ESP Exome Variant Server 0.00008; ExAC 0.00010; gnomAD 0.00010 and 0.00011; gnomAD exomes 0.00010 and 0.00019; TOPMed 0.00011.
gnomAD v4.1: 287 of 1,614,098 alleles (0.018%); highest among the groups gnomAD compares: Non-Finnish European, 0.023%; no homozygotes.

Submission:

Labcorp Genetics (formerly Invitae), Labcorp
Classification: Uncertain significance for Spastic paraplegia. Last evaluated: 2019-11-08. Review status: criteria provided, single submitter. Criteria: Invitae Variant Classification Sherloc (09022015). Collection method: clinical testing. Allele origin: germline.
Comment: This sequence change falls in intron 14 of the GBA2 gene. It does not directly change the encoded amino acid sequence of the GBA2 protein, but it affects a nucleotide within the consensus splice site of the intron. This variant is present in population databases (rs373784058, ExAC 0.02%). This variant has not been reported in the literature in individuals with GBA2-related disease. Nucleotide substitutions within the consensus splice site are a relatively common cause of aberrant splicing (PMID: 17576681, 9536098). Algorithms developed to predict the effect of sequence changes on RNA splicing suggest that this variant is not likely to affect RNA splicing, but this prediction has not been confirmed by published transcriptional studies. In summary, the available evidence is currently insufficient to determine the role of this variant in disease. Therefore, it has been classified as a Variant of Uncertain Significance.

Literature cited by the submitters: PubMed 17576681; PubMed 9536098.